The following is an entry in ClinVar:

ClinVar aggregate classification (germline): Conflicting classifications of pathogenicity. Review status: criteria provided, conflicting classifications (1 of 4 stars). 4 submissions from 3 submitters: Likely pathogenic (3); Uncertain significance (1). Last evaluated 2026-03-24.

Conditions:
Severe early-childhood-onset retinal dystrophy (STGD1). Also called: Stargardt macular dystrophy; Juvenile onset macular degeneration; Stargardt disease 1; STGD; MACULAR DYSTROPHY WITH FLECKS, TYPE 1. Identifiers: Orphanet 364055, Orphanet 827, MedGen C1855465, MeSH D000080362, MONDO:0009549, OMIM 248200.
Retinal dystrophy. Also called: Inherited retinal dystrophy. Identifiers: Orphanet 71862, MedGen C0854723, MeSH D058499, MONDO:0019118, HP:0000556.

Allele frequency attached by ClinVar (database versions not stated): gnomAD exomes below 0.00001.
gnomAD v4.1: 4 of 1,614,222 alleles (0.00025%); highest among the groups gnomAD compares: South Asian, 0.0011%; no homozygotes.

Submissions (4):

Department of Molecular Genetics, Istishari Arab Hospital
Classification: Likely pathogenic for Severe early-childhood-onset retinal dystrophy. Last evaluated: 2026-03-24. Review status: criteria provided, single submitter. Criteria: ACMG Guidelines, 2015. Collection method: clinical testing. Allele origin: germline. Inheritance: Autosomal recessive inheritance. Affected: yes.
Comment: The ABCA4 variant c.6515A>G, p.Lys2172Arg creates an amino acid change from Lys to Arg at position 2172. The variant is observed with very low frequency in the gnomAD v4.1.0 dataset (<0.001). This variant has been previously reported in patients with Stargardt disease (PMID: 19074458). It is classified as likely pathogenic according to the recommendations of ACMG/AMP/ClinGen SVI guidelines.

Labcorp Genetics (formerly Invitae), Labcorp
Classification: Uncertain significance. Last evaluated: 2025-04-16. Review status: criteria provided, single submitter. Criteria: Invitae Variant Classification Sherloc (09022015). Collection method: clinical testing. Allele origin: germline.
Comment: This sequence change replaces lysine, which is basic and polar, with arginine, which is basic and polar, at codon 2172 of the ABCA4 protein (p.Lys2172Arg). This variant is not present in population databases (gnomAD no frequency). This missense change has been observed in individual(s) with Stargardt disease (PMID: 19074458, 19265867, 28118664). In at least one individual the data is consistent with being in trans (on the opposite chromosome) from a pathogenic variant. ClinVar contains an entry for this variant (Variation ID: 236148). Invitae Evidence Modeling of protein sequence and biophysical properties (such as structural, functional, and spatial information, amino acid conservation, physicochemical variation, residue mobility, and thermodynamic stability) indicates that this missense variant is not expected to disrupt ABCA4 protein function with a negative predictive value of 95%. In summary, the available evidence is currently insufficient to determine the role of this variant in disease. Therefore, it has been classified as a Variant of Uncertain Significance.

Institute of Human Genetics, Univ. Regensburg, Univ. Regensburg
Classification: Likely pathogenic for Severe early-childhood-onset retinal dystrophy. Last evaluated: 2016-01-01. Review status: criteria provided, single submitter. Criteria: Schulz et al. (Invest Ophthalmol Vis Sci. 2017). Collection method: clinical testing. Allele origin: germline. Affected: yes. Observed: 1 heterozygote.

Institute of Human Genetics, Univ. Regensburg, Univ. Regensburg
Classification: Likely pathogenic for Retinal dystrophy. Last evaluated: 2014-01-01. Review status: criteria provided, single submitter. Criteria: ACMG Guidelines, 2015. Collection method: clinical testing. Allele origin: germline. Affected: yes.

Literature cited by the submitters: PubMed 19074458 (cited by 3 submitters); PubMed 19265867 (cited by Labcorp Genetics (formerly Invitae), Labcorp); PubMed 28118664 (cited by Labcorp Genetics (formerly Invitae), Labcorp); PubMed 3442652 (cited by Institute of Human Genetics, Univ. Regensburg, Univ. Regensburg).

NM_000350.3(ABCA4):c.6515A>G (p.Lys2172Arg)

Gene: ABCA4 (ATP binding cassette subfamily A member 4; minus strand). Cytogenetic location: 1p22.1.
Variant type: single nucleotide variant.
Coding change: c.6515A>G on transcript NM_000350.3 (MANE Select); coding-DNA position 6515, A replaced by G.
Protein change: p.Lys2172Arg; replaces lysine 2172 with arginine.
Molecular consequence: missense variant.
Genome position (GRCh38, 1-based): chr1:93,998,075, T>C on the plus strand (A>G on the coding strand, the complement: ABCA4 is on the minus strand). VCF-style: chr1-93998075-T-C. GRCh37 (hg19) VCF-style: chr1-94463631-T-C.
Other names: p.Lys2172Arg; c.6293A>G, p.Lys2098Arg (NM_001425324.1); short protein forms K2172R, K2098R.
Identifiers: ClinVar variation 236148 (VCV000236148.8), dbSNP rs886044762, ClinGen allele CA10602406.